The following is an entry in ClinVar:

ClinVar aggregate classification (germline): Uncertain significance (1 of 4 stars; one submission).

Submission:

Labcorp Genetics (formerly Invitae), Labcorp
Classification: Uncertain significance. Last evaluated: 2025-11-17. Review status: criteria provided, single submitter. Criteria: Invitae Variant Classification Sherloc (09022015). Collection method: clinical testing. Allele origin: germline.
Comment: This sequence change creates a premature translational stop signal (p.Asn744Ilefs*8) in the ANKRD26 gene. It is expected to result in an absent or disrupted protein product. However, the current clinical and genetic evidence is not sufficient to establish whether loss-of-function variants in ANKRD26 cause disease. This variant is present in population databases (no rsID available, gnomAD 0.002%). This variant has not been reported in the literature in individuals affected with ANKRD26-related conditions. Algorithms developed to predict the effect of sequence changes on RNA splicing suggest that this variant may disrupt the consensus splice site. In summary, the available evidence is currently insufficient to determine the role of this variant in disease. Therefore, it has been classified as a Variant of Uncertain Significance.

NM_014915.3(ANKRD26):c.2231del (p.Asn744fs)

Gene: ANKRD26 (ankyrin repeat domain 26; minus strand). Cytogenetic location: 10p12.1.
Variant type: Deletion.
Coding change: c.2231del on transcript NM_014915.3 (MANE Select); coding-DNA position 2231, one base deleted (A; older notation c.2231delA).
Protein change: p.Asn744fs; shifts the reading frame from asparagine 744.
Molecular consequence: frameshift variant.
Genome position (GRCh38, 1-based): chr10:27,040,109, T deleted on the plus strand (A on the coding strand, the reverse complement: ANKRD26 is on the minus strand); the first of 8 consecutive T bases (chr10:27,040,109-27,040,116); deleting any one gives the same sequence. VCF-style (leftmost placement, unchanged base first): chr10-27040108-AT-A. GRCh37 (hg19) VCF-style: chr10-27329037-AT-A.
Other names: c.2228del, p.Asn743fs (NM_001256053.2); short protein forms N744fs, N743fs.
Identifiers: ClinVar variation 4751953 (VCV004751953.1).
Genomic context (GRCh38, chr10:27,040,108, plus strand): 5'-TTGTAGTACATTAACCTTGTCTTCCATTTTTTTAATTTTTACTGTAAGTAGTTCACAGTG[AT>A]TTTTTTTAAGTTCTAATAATCTTTCACATGAAAGAGCTGCATCCTGGATTTTCAATAGGC-3'